The following is an entry in ClinVar:

NM_001363118.2(SLC52A2):c.605C>T (p.Ala202Val)

Gene: SLC52A2 (solute carrier family 52 member 2; plus strand). Cytogenetic location: 8q24.3.
Variant type: single nucleotide variant.
Coding change: c.605C>T on transcript NM_001363118.2 (MANE Select); coding-DNA position 605, C replaced by T.
Protein change: p.Ala202Val; replaces alanine 202 with valine.
Molecular consequence: missense variant. On other transcripts: non-coding transcript variant (1), intron variant (1).
Genome position (GRCh38, 1-based): chr8:144,360,097, C>T. VCF-style: chr8-144360097-C-T. GRCh37 (hg19) VCF-style: chr8-145583757-C-T.
Other names: c.605C>T, p.Ala202Val (NM_001253815.2, NM_001253816.2, NM_001363120.2 and 2 more transcripts); c.131-18C>T (NM_001363122.2); short protein forms A202V.
Identifiers: ClinVar variation 570905 (VCV000570905.5), dbSNP rs1166880307, ClinGen allele CA372627495.

ClinVar aggregate classification (germline): Uncertain significance (1 of 4 stars; one submission).

Conditions:
Brown-Vialetto-van Laere syndrome 2. Also called: Riboflavin transporter deficiency type 2; SPINOCEREBELLAR ATAXIA WITH BLINDNESS AND DEAFNESS 2. Identifiers: Orphanet 572543, Orphanet 97229, MedGen C3553538, MONDO:0013867, OMIM 614707.

Allele frequency attached by ClinVar (database versions not stated): gnomAD 0.00001; TOPMed 0.00001.

Submission:

Labcorp Genetics (formerly Invitae), Labcorp
Classification: Uncertain significance for Brown-Vialetto-van Laere syndrome 2. Last evaluated: 2022-08-21. Review status: criteria provided, single submitter. Criteria: Invitae Variant Classification Sherloc (09022015). Collection method: clinical testing. Allele origin: germline.
Comment: This sequence change replaces alanine, which is neutral and non-polar, with valine, which is neutral and non-polar, at codon 202 of the SLC52A2 protein (p.Ala202Val). This variant is present in population databases (no rsID available, gnomAD 0.007%). This variant has not been reported in the literature in individuals affected with SLC52A2-related conditions. ClinVar contains an entry for this variant (Variation ID: 570905). Advanced modeling of protein sequence and biophysical properties (such as structural, functional, and spatial information, amino acid conservation, physicochemical variation, residue mobility, and thermodynamic stability) performed at Invitae indicates that this missense variant is not expected to disrupt SLC52A2 protein function. In summary, the available evidence is currently insufficient to determine the role of this variant in disease. Therefore, it has been classified as a Variant of Uncertain Significance.